The following is an entry in ClinVar:

ClinVar aggregate classification (germline): Uncertain significance (1 of 4 stars; one submission).

Conditions:
DEPDC5-related disorder. Also called: DEPDC5-related related disorder; DEPDC5-related condition.

Submission:

PreventionGenetics, part of Exact Sciences
Classification: Uncertain significance for DEPDC5-related condition. Last evaluated: 2023-06-21. Review status: criteria provided, single submitter. Criteria: ACMG Guidelines, 2015. Collection method: clinical testing. Allele origin: germline.
Comment: The DEPDC5 c.2521G>T variant is predicted to result in the amino acid substitution p.Val841Leu. To our knowledge, this variant has not been reported in the literature or in a large population database, indicating this variant is rare. At this time, the clinical significance of this variant is uncertain due to the absence of conclusive functional and genetic evidence.

NM_001242896.3(DEPDC5):c.2521G>T (p.Val841Leu)

Gene: DEPDC5 (DEP domain containing 5, GATOR1 subcomplex subunit; plus strand). Cytogenetic location: 22q12.3.
Variant type: single nucleotide variant.
Coding change: c.2521G>T on transcript NM_001242896.3 (MANE Select); coding-DNA position 2521, G replaced by T.
Protein change: p.Val841Leu; replaces valine 841 with leucine.
Molecular consequence: missense variant. On other transcripts: non-coding transcript variant (5).
Genome position (GRCh38, 1-based): chr22:31,843,100, G>T. VCF-style: chr22-31843100-G-T. GRCh37 (hg19) VCF-style: chr22-32239086-G-T.
Other names: c.2494G>T, p.Val832Leu (NM_001136029.4, NM_001369903.1, NM_014662.6); c.2287G>T, p.Val763Leu (NM_001242897.2, NM_001363854.2, NM_001364319.2); c.2521G>T, p.Val841Leu (NM_001363852.2, NM_001364318.2, NM_001364320.2); c.2437G>T, p.Val813Leu (NM_001369901.1, NM_001369902.1); short protein forms V763L, V813L, V832L, V841L.
Identifiers: ClinVar variation 2632678 (VCV002632678.1), dbSNP rs1555899402, ClinGen allele CA411288232.